The following is an entry in ClinVar:

ClinVar aggregate classification (germline): Uncertain significance (1 of 4 stars; one submission).

Conditions:
Ataxia-telangiectasia-like disorder (ATLD). Identifiers: MedGen C1858391, MONDO:0011457.

Allele frequency attached by ClinVar (database versions not stated): gnomAD exomes below 0.00001 and 0.00001; TOPMed below 0.00001.
gnomAD v4.1: 8 of 1,612,352 alleles (0.0005%); highest among the groups gnomAD compares: Non-Finnish European, 0.00068%; no homozygotes.

Submission:

Labcorp Genetics (formerly Invitae), Labcorp
Classification: Uncertain significance for Ataxia-telangiectasia-like disorder. Last evaluated: 2018-09-07. Review status: criteria provided, single submitter. Criteria: Invitae Variant Classification Sherloc (09022015). Collection method: clinical testing. Allele origin: germline.
Comment: In summary, this variant is a novel missense change that is not predicted to affect protein function. There is no indication that it causes disease, but the available evidence is currently insufficient to prove that conclusively. Therefore, it has been classified as a Variant of Uncertain Significance. Algorithms developed to predict the effect of missense changes on protein structure and function (SIFT, PolyPhen-2, Align-GVGD) all suggest that this variant is likely to be tolerated, but these predictions have not been confirmed by published functional studies. This variant is not present in population databases (ExAC no frequency) and has not been reported in the literature in individuals with an MRE11A-related disease. This sequence change replaces lysine with threonine at codon 105 of the MRE11A protein (p.Lys105Thr). The lysine residue is moderately conserved and there is a moderate physicochemical difference between lysine and threonine.

NM_005591.4(MRE11):c.314A>C (p.Lys105Thr)

Gene: MRE11 (MRE11 double strand break repair nuclease; minus strand). Cytogenetic location: 11q21.
Variant type: single nucleotide variant.
Coding change: c.314A>C on transcript NM_005591.4 (MANE Select); coding-DNA position 314, A replaced by C.
Protein change: p.Lys105Thr; replaces lysine 105 with threonine.
Molecular consequence: missense variant.
Genome position (GRCh38, 1-based): chr11:94,485,924, T>G on the plus strand (A>C on the coding strand, the complement: MRE11 is on the minus strand). VCF-style: chr11-94485924-T-G. GRCh37 (hg19) VCF-style: chr11-94219090-T-G.
Other names: c.314A>C, p.Lys105Thr (NM_001330347.2, NM_005590.4); short protein forms K105T.
Identifiers: ClinVar variation 407891 (VCV000407891.9), dbSNP rs1025272236, ClinGen allele CA16613707.